The following is an entry in ClinVar:

NM_004360.5(CDH1):c.1254T>C (p.Asp418=)

Gene: CDH1 (cadherin 1; plus strand). Cytogenetic location: 16q22.1.
Variant type: single nucleotide variant.
Coding change: c.1254T>C on transcript NM_004360.5 (MANE Select); coding-DNA position 1254, T replaced by C.
Protein change: p.Asp418=; no amino-acid change (aspartic acid 418 retained).
Molecular consequence: synonymous variant. On other transcripts: 5 prime UTR variant (2), intron variant (1).
Genome position (GRCh38, 1-based): chr16:68,813,429, T>C. VCF-style: chr16-68813429-T-C. GRCh37 (hg19) VCF-style: chr16-68847332-T-C.
Other names: c.1254T>C (LRG_301t1); c.-362T>C (NM_001317185.2); c.-566T>C (NM_001317186.2); c.1137+1166T>C (NM_001317184.2).
Identifiers: ClinVar variation 381040 (VCV000381040.18), dbSNP rs1057520936, ClinGen allele CA16607364.

ClinVar aggregate classification (germline): Benign/Likely benign. Review status: criteria provided, multiple submitters, no conflicts (2 of 4 stars). 4 submissions from 4 submitters: Benign (1); Likely benign (3). Last evaluated 2025-07-22.

Conditions:
Hereditary cancer-predisposing syndrome. Also called: Hereditary neoplastic syndrome; Tumor predisposition; Neoplastic Syndromes, Hereditary; Hereditary Cancer Syndrome. Identifiers: Orphanet 140162, MedGen C0027672, MeSH D009386, MONDO:0015356.
Hereditary diffuse gastric adenocarcinoma (HDGC). Also called: DIFFUSE GASTRIC AND LOBULAR BREAST CANCER SYNDROME. Identifiers: Orphanet 26106, MedGen C1708349, MONDO:0007648, OMIM 137215.

Allele frequency attached by ClinVar (database versions not stated): gnomAD exomes below 0.00001.
gnomAD v4.1: 1 of 1,614,004 alleles (0.000062%); highest among the groups gnomAD compares: Non-Finnish European, 0.000085%; no homozygotes.

Submissions (4):

Labcorp Genetics (formerly Invitae), Labcorp
Classification: Likely benign for Hereditary diffuse gastric adenocarcinoma. Last evaluated: 2025-07-22. Review status: criteria provided, single submitter. Criteria: Invitae Variant Classification Sherloc (09022015). Collection method: clinical testing. Allele origin: germline.

Myriad Genetics, Inc.
Classification: Benign for Hereditary diffuse gastric adenocarcinoma. Last evaluated: 2024-09-18. Review status: criteria provided, single submitter. Criteria: Myriad Autosomal Dominant, Autosomal Recessive and X-Linked Classification Criteria (2023). Collection method: clinical testing. Allele origin: unknown.
Comment: This variant is considered benign. This variant is a silent/synonymous amino acid change and it is not expected to impact splicing.

GeneDx
Classification: Likely benign. Last evaluated: 2020-05-20. Review status: criteria provided, single submitter. Criteria: GeneDx Variant Classification Process June 2021. Collection method: clinical testing. Allele origin: germline. Affected: yes.

Ambry Genetics
Classification: Likely benign for Hereditary cancer-predisposing syndrome. Last evaluated: 2018-01-09. Review status: criteria provided, single submitter. Criteria: Ambry Variant Classification Scheme 2023. Collection method: clinical testing. Allele origin: germline.